The following is an entry in ClinVar:

ClinVar aggregate classification (germline): Uncertain significance. Review status: criteria provided, multiple submitters, no conflicts (2 of 4 stars). 2 submissions from 2 submitters: Uncertain significance (2). Last evaluated 2024-06-24.

Allele frequency attached by ClinVar (database versions not stated): gnomAD 0.00001; TOPMed 0.00002; gnomAD exomes 0.00003 and 0.00004; ExAC 0.00005.
gnomAD v4.1: 42 of 1,613,592 alleles (0.0026%); highest among the groups gnomAD compares: Admixed American, 0.012%; no homozygotes.

Submissions (2):

Blueprint Genetics
Classification: Uncertain significance. Last evaluated: 2024-06-24. Review status: criteria provided, single submitter. Criteria: ACMG Guidelines, 2015. Collection method: clinical testing. Allele origin: germline.

Labcorp Genetics (formerly Invitae), Labcorp
Classification: Uncertain significance. Last evaluated: 2022-08-21. Review status: criteria provided, single submitter. Criteria: Invitae Variant Classification Sherloc (09022015). Collection method: clinical testing. Allele origin: germline.
Comment: This sequence change replaces threonine, which is neutral and polar, with methionine, which is neutral and non-polar, at codon 413 of the TRPM1 protein (p.Thr413Met). This variant is present in population databases (rs199546153, gnomAD 0.009%). This variant has not been reported in the literature in individuals affected with TRPM1-related conditions. ClinVar contains an entry for this variant (Variation ID: 1356209). Algorithms developed to predict the effect of missense changes on protein structure and function output the following: SIFT: "Tolerated"; PolyPhen-2: "Benign"; Align-GVGD: "Class C0". The methionine amino acid residue is found in multiple mammalian species, which suggests that this missense change does not adversely affect protein function. In summary, the available evidence is currently insufficient to determine the role of this variant in disease. Therefore, it has been classified as a Variant of Uncertain Significance.

NM_001252024.2(TRPM1):c.1304C>T (p.Thr435Met)

Gene: TRPM1 (transient receptor potential cation channel subfamily M member 1; minus strand). Cytogenetic location: 15q13.3.
Variant type: single nucleotide variant.
Coding change: c.1304C>T on transcript NM_001252024.2 (MANE Select); coding-DNA position 1304, C replaced by T.
Protein change: p.Thr435Met; replaces threonine 435 with methionine.
Molecular consequence: missense variant.
Genome position (GRCh38, 1-based): chr15:31,050,542, G>A on the plus strand (C>T on the coding strand, the complement: TRPM1 is on the minus strand). VCF-style: chr15-31050542-G-A. GRCh37 (hg19) VCF-style: chr15-31342745-G-A.
Other names: c.1355C>T, p.Thr452Met (NM_001252020.2); c.1238C>T, p.Thr413Met (NM_002420.6); short protein forms T435M, T452M, T413M.
Identifiers: ClinVar variation 1356209 (VCV001356209.6), dbSNP rs199546153, ClinGen allele CA7452599.